The following is an entry in ClinVar:

NM_000901.5(NR3C2):c.1775T>G (p.Val592Gly)

Gene: NR3C2 (nuclear receptor subfamily 3 group C member 2; minus strand). Cytogenetic location: 4q31.23.
Variant type: single nucleotide variant.
Coding change: c.1775T>G on transcript NM_000901.5 (MANE Select); coding-DNA position 1775, T replaced by G.
Protein change: p.Val592Gly; replaces valine 592 with glycine.
Molecular consequence: missense variant. On other transcripts: non-coding transcript variant (1).
Genome position (GRCh38, 1-based): chr4:148,260,100, A>C on the plus strand (T>G on the coding strand, the complement: NR3C2 is on the minus strand). VCF-style: chr4-148260100-A-C. GRCh37 (hg19) VCF-style: chr4-149181252-A-C.
Other names: c.1775T>G, p.Val592Gly (NM_001166104.2, NM_001354819.1, NM_001437654.1 and 4 more transcripts); short protein forms V592G.
Identifiers: ClinVar variation 5018095 (VCV005018095.1).

ClinVar aggregate classification (germline): Uncertain significance (1 of 4 stars; one submission).

gnomAD v4.1: 2 of 1,614,082 alleles (0.00012%); highest among the groups gnomAD compares: Non-Finnish European, 0.00017%; no homozygotes.

Submission:

GeneDx
Classification: Uncertain significance. Last evaluated: 2026-03-31. Review status: criteria provided, single submitter. Criteria: GeneDx Variant Classification Process June 2021. Collection method: clinical testing. Allele origin: germline.
Comment: Not observed at significant frequency in large population cohorts (gnomAD); In silico analysis suggests that this missense variant does not alter protein structure/function; Has not been previously published as pathogenic or benign to our knowledge